The following is an entry in ClinVar:

ClinVar aggregate classification (germline): Pathogenic. Review status: criteria provided, multiple submitters, no conflicts (2 of 4 stars). 2 submissions from 2 submitters: Pathogenic (2). Last evaluated 2024-11-19.

Conditions:
Hereditary breast ovarian cancer syndrome. Also called: BRCA1- and BRCA2-Associated Hereditary Breast and Ovarian Cancer; Hereditary breast and ovarian cancer syndrome (HBOC); Breast and ovarian cancer; Hereditary breast and ovarian cancer syndrome; Hereditary breast and/or ovarian cancer syndrome; Hereditary breast and ovarian cancer. Identifiers: Orphanet 145, MedGen C0677776, MeSH D061325, MONDO:0003582. Disease mechanism: loss of function.

Submissions (2):

Labcorp Genetics (formerly Invitae), Labcorp
Classification: Pathogenic for Hereditary breast ovarian cancer syndrome. Last evaluated: 2024-11-19. Review status: criteria provided, single submitter. Criteria: Invitae Variant Classification Sherloc (09022015). Collection method: clinical testing. Allele origin: germline.
Comment: This sequence change creates a premature translational stop signal (p.Gln850Profs*9) in the BRCA2 gene. It is expected to result in an absent or disrupted protein product. Loss-of-function variants in BRCA2 are known to be pathogenic (PMID: 20104584). This variant is not present in population databases (gnomAD no frequency). This premature translational stop signal has been observed in individual(s) with breast and/or ovarian cancer and prostate cancer (PMID: 25802882, 31214711). ClinVar contains an entry for this variant (Variation ID: 2506244). For these reasons, this variant has been classified as Pathogenic.

Women's Health and Genetics/Laboratory Corporation of America, LabCorp
Classification: Pathogenic for Hereditary breast ovarian cancer syndrome. Last evaluated: 2023-05-22. Review status: criteria provided, single submitter. Criteria: LabCorp Variant Classification Summary - May 2015. Collection method: clinical testing. Allele origin: germline.
Comment: Variant summary: BRCA2 c.2548_2549insCC (p.Gln850ProfsX9) results in a premature termination codon, predicted to cause an absence of the protein due to nonsense mediated decay, which is a commonly known mechanism for disease. Variants downstream of this position have been classified as pathogenic by our laboratory. The variant was absent in 245040 control chromosomes. c.2548_2549insCC has been reported in the literature in at-least two Japanese individuals affected with Breast and/or Ovarian Cancer and Prostate cancer respectively (example, Hirotsu_2015, overlapping Sakomoto_2016 and Nakagomi_2018; Momozawa_2020). These data indicate that the variant may be associated with disease. The following publications have been ascertained in the context of this evaluation (PMID: 25802882, 31214711, 29215753, 26439132). No clinical diagnostic laboratories have submitted clinical-significance assessments for this variant to ClinVar after 2014. Based on the evidence outlined above, the variant was classified as pathogenic.

Literature cited by the submitters: PubMed 20104584 (cited by Labcorp Genetics (formerly Invitae), Labcorp); PubMed 25802882 (cited by Labcorp Genetics (formerly Invitae), Labcorp and Women's Health and Genetics/Laboratory Corporation of America, LabCorp); PubMed 31214711 (cited by Labcorp Genetics (formerly Invitae), Labcorp and Women's Health and Genetics/Laboratory Corporation of America, LabCorp); PubMed 26439132 (cited by Women's Health and Genetics/Laboratory Corporation of America, LabCorp); PubMed 29215753 (cited by Women's Health and Genetics/Laboratory Corporation of America, LabCorp).

NM_000059.4(BRCA2):c.2548_2549insCC (p.Gln850fs)

Gene: BRCA2 (BRCA2 DNA repair associated; plus strand). Cytogenetic location: 13q13.1.
Variant type: Insertion.
Coding change: c.2548_2549insCC on transcript NM_000059.4 (MANE Select); coding-DNA positions 2548 to 2549, CC inserted.
Protein change: p.Gln850fs; shifts the reading frame from glutamine 850.
Molecular consequence: frameshift variant.
Genome position: GRCh38 VCF-style: chr13-32336902-A-ACC. GRCh37 (hg19) VCF-style: chr13-32911039-A-ACC.
Other names: c.2548_2549insCC (NM_000059.3); short protein forms Q850fs.
Identifiers: ClinVar variation 2506244 (VCV002506244.3), dbSNP rs2548524233, ClinGen allele CA2499222109.
Genomic context (GRCh38, chr13:32,336,902, plus strand): 5'-AAACGTTGAGCTGTTGCCACCTGAAAAATACATGAGAGTAGCATCACCTTCAAGAAAGGT[A>ACC]CAATTCAACCAAAACACAAATCTAAGAGTAATCCAAAAAAATCAAGAAGAAACTACTTCA-3'